The following is an entry in ClinVar:

ClinVar aggregate classification (germline): Uncertain significance (1 of 4 stars; one submission).

Allele frequency attached by ClinVar (database versions not stated): gnomAD exomes below 0.00001.
gnomAD v4.1: 1 of 1,612,824 alleles (0.000062%); highest among the groups gnomAD compares: South Asian, 0.0011%; no homozygotes.

Submission:

Ambry Genetics
Classification: Uncertain significance. Last evaluated: 2021-07-26. Review status: criteria provided, single submitter. Criteria: Ambry Variant Classification Scheme 2023. Collection method: clinical testing. Allele origin: germline.
Comment: The p.T317P variant (also known as c.949A>C), located in coding exon 3 of the ALPK2 gene, results from an A to C substitution at nucleotide position 949. The threonine at codon 317 is replaced by proline, an amino acid with highly similar properties. This amino acid position is conserved. In addition, this alteration is predicted to be tolerated by in silico analysis. Since supporting evidence is limited at this time, the clinical significance of this alteration remains unclear.

NM_052947.4(ALPK2):c.949A>C (p.Thr317Pro)

Genes: ALPK2 (alpha kinase 2; minus strand), LOC114803473 (ALPK2 eExon liver enhancer; plus strand). Cytogenetic location: 18q21.31.
Variant type: single nucleotide variant.
Coding change: c.949A>C on transcript NM_052947.4 (MANE Select); coding-DNA position 949, A replaced by C.
Protein change: p.Thr317Pro; replaces threonine 317 with proline.
Molecular consequence: missense variant.
Genome position (GRCh38, 1-based): chr18:58,579,827, T>G on the plus strand (A>C on the coding strand, the complement: ALPK2 is on the minus strand). VCF-style: chr18-58579827-T-G. GRCh37 (hg19) VCF-style: chr18-56247059-T-G.
Other names: short protein forms T317P.
Identifiers: ClinVar variation 1767134 (VCV001767134.2), dbSNP rs1398841882, ClinGen allele CA402566638.